The following is an entry in ClinVar:

ClinVar aggregate classification (germline): Conflicting classifications of pathogenicity. Review status: criteria provided, conflicting classifications (1 of 4 stars). 3 submissions from 3 submitters: Uncertain significance (2); Likely benign (1). Last evaluated 2023-05-16.

Conditions:
Hereditary cancer-predisposing syndrome. Also called: Tumor predisposition; Hereditary Cancer Syndrome; Neoplastic Syndromes, Hereditary; Hereditary neoplastic syndrome. Identifiers: Orphanet 140162, MedGen C0027672, MeSH D009386, MONDO:0015356.
Hereditary breast ovarian cancer syndrome. Also called: Breast and ovarian cancer; Hereditary breast and ovarian cancer; Hereditary breast and ovarian cancer syndrome; Hereditary breast and/or ovarian cancer syndrome; BRCA1- and BRCA2-Associated Hereditary Breast and Ovarian Cancer; Hereditary breast and ovarian cancer syndrome (HBOC). Identifiers: Orphanet 145, MedGen C0677776, MeSH D061325, MONDO:0003582. Disease mechanism: loss of function.

Allele frequency attached by ClinVar (database versions not stated): gnomAD exomes below 0.00001.
gnomAD v4.1: 1 of 1,614,000 alleles (0.000062%); highest among the groups gnomAD compares: African/African-American, 0.0013%; no homozygotes.

Submissions (4):

Labcorp Genetics (formerly Invitae), Labcorp
Classification: Uncertain significance for Hereditary breast ovarian cancer syndrome. Last evaluated: 2023-05-16. Review status: criteria provided, single submitter. Criteria: Invitae Variant Classification Sherloc (09022015). Collection method: clinical testing. Allele origin: germline.
Comment: This variant is present in population databases (no rsID available, gnomAD 0.007%). This sequence change replaces valine, which is neutral and non-polar, with isoleucine, which is neutral and non-polar, at codon 1741 of the BRCA1 protein (p.Val1741Ile). In summary, the available evidence is currently insufficient to determine the role of this variant in disease. Therefore, it has been classified as a Variant of Uncertain Significance. Experimental studies have shown that this missense change does not substantially affect BRCA1 function (PMID: 30209399). Advanced modeling performed at Invitae incorporating data from internal and/or published experimental studies (PMID: 30209399) indicates that this missense variant is not expected to disrupt BRCA1 function. ClinVar contains an entry for this variant (Variation ID: 231376). This variant has not been reported in the literature in individuals affected with BRCA1-related conditions.

Ambry Genetics
Classification: Likely benign for Hereditary cancer-predisposing syndrome. Last evaluated: 2020-07-16. Review status: criteria provided, single submitter. Criteria: Ambry Variant Classification Scheme 2023. Collection method: clinical testing. Allele origin: germline.

Color Diagnostics, LLC DBA Color Health
Classification: Uncertain significance for Hereditary cancer-predisposing syndrome. Last evaluated: 2019-06-15. Review status: criteria provided, single submitter. Criteria: ACMG Guidelines, 2015. Collection method: clinical testing. Allele origin: germline.

Brotman Baty Institute, University of Washington
No classification provided (evidence only). Condition: Breast-ovarian cancer, familial 1. Review status: no classification provided. Collection method: in vitro. Allele origin: not applicable. Functional consequence: functionally_normal. Not counted in ClinVar's aggregate classification.
ClinVar note: "not provided" was previously submitted as the classification for the variant. However, the classification appeared to be based only on an observation of functional data so it was converted to no classification on 2025-07-30.

Literature cited by the submitters: PubMed 30209399 (cited by Labcorp Genetics (formerly Invitae), Labcorp and Ambry Genetics).

NM_007294.4(BRCA1):c.5221G>A (p.Val1741Ile)

Gene: BRCA1 (BRCA1 DNA repair associated; minus strand). Cytogenetic location: 17q21.31.
Variant type: single nucleotide variant.
Coding change: c.5221G>A on transcript NM_007294.4 (MANE Select); coding-DNA position 5221, G replaced by A.
Protein change: p.Val1741Ile; replaces valine 1741 with isoleucine.
Molecular consequence: missense variant. On other transcripts: non-coding transcript variant (1).
Genome position (GRCh38, 1-based): chr17:43,057,108, C>T on the plus strand (G>A on the coding strand, the complement: BRCA1 is on the minus strand). VCF-style: chr17-43057108-C-T. GRCh37 (hg19) VCF-style: chr17-41209125-C-T.
Other names: c.5008G>A, p.Val1670Ile (NM_001407571.1, NM_001407906.1, NM_001407907.1 and 12 more transcripts); c.5287G>A, p.Val1763Ile (NM_001407581.1, NM_001407582.1); c.5284G>A, p.Val1762Ile (NM_001407583.1, NM_001407585.1, NM_001407587.1 and 1 more transcripts); c.5281G>A, p.Val1761Ile (NM_001407590.1, NM_001407591.1); c.5221G>A, p.Val1741Ile (NM_001407593.1, NM_001407854.1, NM_001407594.1 and 7 more transcripts); c.5218G>A, p.Val1740Ile (NM_001407613.1, NM_001407614.1, NM_001407615.1 and 17 more transcripts); c.5215G>A, p.Val1739Ile (NM_001407632.1, NM_001407633.1, NM_001407634.1 and 14 more transcripts); c.5143G>A, p.Val1715Ile (NM_001407654.1, NM_001407655.1, NM_001407652.1 and 1 more transcripts); and 72 more; short protein forms V1741I, V1694I, V1762I, V637I, V1612I, V1614I, V1652I, V1670I.
Identifiers: ClinVar variation 231376 (VCV000231376.21), dbSNP rs876659122, ClinGen allele CA10580493.
Genomic context (GRCh38, chr17:43,057,108, plus strand): 5'-TTACCTTTCTGTCCTGGGATTCTCTTGCTCGCTTTGGACCTTGGTGGTTTCTTCCATTGA[C>T]CACATCTCCTCTGACTTCAAAATCATGCTGAAAGAAACCAAACACAACCCATCAGGATAA-3'
Protein context (NP_009225.1, residues 1731-1751): EHDFEVRGDV[Val1741Ile]NGRNHQGPKR